The following is an entry in ClinVar:

NM_020778.5(ALPK3):c.2770_2771delinsGA (p.Pro924Glu)

Gene: ALPK3 (alpha kinase 3; plus strand). Cytogenetic location: 15q25.3.
Variant type: Indel.
Coding change: c.2770_2771delinsGA on transcript NM_020778.5 (MANE Select); coding-DNA positions 2770 to 2771, CC replaced by GA.
Protein change: p.Pro924Glu; replaces proline 924 with glutamic acid.
Molecular consequence: missense variant.
Genome position (GRCh38, 1-based): chr15:84,857,508-84,857,509, CC replaced by GA. VCF-style: chr15-84857508-CC-GA. GRCh37 (hg19) VCF-style: chr15-85400739-CC-GA.
Other names: c.3376_3377delinsGA (NM_020778.4); c.3376_3377delCCinsGA (NM_020778.4); short protein forms P924E.
Identifiers: ClinVar variation 1730768 (VCV001730768.7), dbSNP rs2505720757, ClinGen allele CA2580090103.

ClinVar aggregate classification (germline): Uncertain significance. Review status: criteria provided, multiple submitters, no conflicts (2 of 4 stars). 3 submissions from 3 submitters: Uncertain significance (3). Last evaluated 2026-03-06.

Conditions:
Cardiovascular phenotype. Identifiers: MedGen CN230736.
ALPK3-related disorder. Also called: ALPK3-related condition.

Submissions (3):

PreventionGenetics, part of Exact Sciences
Classification: Uncertain significance for ALPK3-related condition. Last evaluated: 2026-03-06. Review status: criteria provided, single submitter. Criteria: ACMG Guidelines, 2015. Collection method: clinical testing. Allele origin: germline.
Comment: The ALPK3 c.3376_3377delinsGA variant is predicted to result in an in-frame deletion and insertion. To our knowledge, this variant has not been reported in the literature or in a large population database (gnomAD), indicating this variant is rare. At this time, the clinical significance of this variant is uncertain due to the absence of conclusive functional and genetic evidence.

Labcorp Genetics (formerly Invitae), Labcorp
Classification: Uncertain significance. Last evaluated: 2025-12-17. Review status: criteria provided, single submitter. Criteria: Invitae Variant Classification Sherloc (09022015). Collection method: clinical testing. Allele origin: germline.
Comment: This sequence change replaces proline, which is neutral and non-polar, with glutamic acid, which is acidic and polar, at codon 1126 of the ALPK3 protein (p.Pro1126Glu). This variant is present in population databases (no rsID available, gnomAD 0.0004%). This variant has not been reported in the literature in individuals affected with ALPK3-related conditions. ClinVar contains an entry for this variant (Variation ID: 1730768). An algorithm developed to predict the effect of missense changes on protein structure and function (PolyPhen-2) suggests that this variant is likely to be disruptive. In summary, the available evidence is currently insufficient to determine the role of this variant in disease. Therefore, it has been classified as a Variant of Uncertain Significance.

Ambry Genetics
Classification: Uncertain significance for Cardiovascular phenotype. Last evaluated: 2023-07-25. Review status: criteria provided, single submitter. Criteria: Ambry Variant Classification Scheme 2023. Collection method: clinical testing. Allele origin: germline.
Comment: The c.3376_3377delCCinsGA variant (also known as p.P1126E), located in coding exon 6 of the ALPK3 gene, results from an in-frame deletion of CC and insertion of GA at nucleotide positions 3376 to 3377. This results in the substitution of the proline residue for a glutamic acid residue at codon 1126, an amino acid with similar properties. Based on data from gnomAD, this allele has an overall frequency of 0.00042% (1/236980) total alleles studied. The highest observed frequency was 0.003% (1/33390) of Latino alleles. This amino acid position is not well conserved in available vertebrate species. In addition, this alteration is predicted to be neutral by in silico analysis (Choi Y et al. PLoS ONE. 2012; 7(10):e46688). Since supporting evidence is limited at this time, the clinical significance of this alteration remains unclear.